The following is an entry in ClinVar:

NM_006767.4(LZTR1):c.1556G>C (p.Arg519Pro)

Gene: LZTR1 (leucine zipper like post translational regulator 1; plus strand). Cytogenetic location: 22q11.21.
Variant type: single nucleotide variant.
Coding change: c.1556G>C on transcript NM_006767.4 (MANE Select); coding-DNA position 1556, G replaced by C.
Protein change: p.Arg519Pro; replaces arginine 519 with proline.
Molecular consequence: missense variant.
Genome position (GRCh38, 1-based): chr22:20,994,210, G>C. VCF-style: chr22-20994210-G-C. GRCh37 (hg19) VCF-style: chr22-21348499-G-C.
Other names: short protein forms R519P.
Identifiers: ClinVar variation 1775162 (VCV001775162.5), dbSNP rs149502567, ClinGen allele CA410775951.

ClinVar aggregate classification (germline): Uncertain significance. Review status: criteria provided, multiple submitters, no conflicts (2 of 4 stars). 2 submissions from 2 submitters: Uncertain significance (2). Last evaluated 2025-04-06.

Conditions:
Cardiovascular phenotype. Identifiers: MedGen CN230736.
Hereditary cancer-predisposing syndrome. Also called: Hereditary Cancer Syndrome; Hereditary neoplastic syndrome; Neoplastic Syndromes, Hereditary; Tumor predisposition. Identifiers: Orphanet 140162, MedGen C0027672, MeSH D009386, MONDO:0015356.

gnomAD v4.1: 2 of 1,601,696 alleles (0.00012%); highest among the groups gnomAD compares: Non-Finnish European, 0.00017%; no homozygotes.

Submissions (2):

Labcorp Genetics (formerly Invitae), Labcorp
Classification: Uncertain significance. Last evaluated: 2025-04-06. Review status: criteria provided, single submitter. Criteria: Invitae Variant Classification Sherloc (09022015). Collection method: clinical testing. Allele origin: germline.
Comment: This sequence change replaces arginine, which is basic and polar, with proline, which is neutral and non-polar, at codon 519 of the LZTR1 protein (p.Arg519Pro). This variant is present in population databases (no rsID available, gnomAD 0.0009%). This variant has not been reported in the literature in individuals affected with LZTR1-related conditions. ClinVar contains an entry for this variant (Variation ID: 1775162). Invitae Evidence Modeling of protein sequence and biophysical properties (such as structural, functional, and spatial information, amino acid conservation, physicochemical variation, residue mobility, and thermodynamic stability) indicates that this missense variant is not expected to disrupt LZTR1 protein function with a negative predictive value of 80%. In summary, the available evidence is currently insufficient to determine the role of this variant in disease. Therefore, it has been classified as a Variant of Uncertain Significance.

Ambry Genetics
Classification: Uncertain significance for Cardiovascular phenotype; Hereditary cancer-predisposing syndrome. Last evaluated: 2024-02-19. Review status: criteria provided, single submitter. Criteria: Ambry Variant Classification Scheme 2023. Collection method: clinical testing. Allele origin: germline.
Comment: The p.R519P variant (also known as c.1556G>C), located in coding exon 14 of the LZTR1 gene, results from a G to C substitution at nucleotide position 1556. The arginine at codon 519 is replaced by proline, an amino acid with dissimilar properties. This amino acid position is not well conserved in available vertebrate species. In addition, the in silico prediction for this alteration is inconclusive. Since supporting evidence is limited at this time, the clinical significance of this alteration remains unclear.